The following is an entry in ClinVar:

NM_001365999.1(SZT2):c.5048C>T (p.Ala1683Val)

Gene: SZT2 (SZT2 subunit of KICSTOR complex; plus strand). Cytogenetic location: 1p34.2.
Variant type: single nucleotide variant.
Coding change: c.5048C>T on transcript NM_001365999.1 (MANE Select); coding-DNA position 5048, C replaced by T.
Protein change: p.Ala1683Val; replaces alanine 1683 with valine.
Molecular consequence: missense variant.
Genome position (GRCh38, 1-based): chr1:43,431,483, C>T. VCF-style: chr1-43431483-C-T. GRCh37 (hg19) VCF-style: chr1-43897154-C-T.
Other names: c.4877C>T, p.Ala1626Val (NM_015284.4); short protein forms A1626V, A1683V.
Identifiers: ClinVar variation 956701 (VCV000956701.9), dbSNP rs1557569900, ClinGen allele CA340023286.

ClinVar aggregate classification (germline): Uncertain significance (1 of 4 stars; one submission).

Allele frequency attached by ClinVar (database versions not stated): gnomAD exomes below 0.00001 and 0.00001.
gnomAD v4.1: 12 of 1,614,168 alleles (0.00074%); highest among the groups gnomAD compares: Non-Finnish European, 0.001%; no homozygotes.

Submission:

Labcorp Genetics (formerly Invitae), Labcorp
Classification: Uncertain significance. Last evaluated: 2019-10-29. Review status: criteria provided, single submitter. Criteria: Invitae Variant Classification Sherloc (09022015). Collection method: clinical testing. Allele origin: germline.
Comment: This variant is not present in population databases (ExAC no frequency). This variant has not been reported in the literature in individuals with SZT2-related conditions. Algorithms developed to predict the effect of missense changes on protein structure and function are either unavailable or do not agree on the potential impact of this missense change (SIFT: "Tolerated"; PolyPhen-2: "Benign"; Align-GVGD: "Class C25"). In summary, the available evidence is currently insufficient to determine the role of this variant in disease. Therefore, it has been classified as a Variant of Uncertain Significance. This sequence change replaces alanine with valine at codon 1626 of the SZT2 protein (p.Ala1626Val). The alanine residue is highly conserved and there is a small physicochemical difference between alanine and valine.